The following is an entry in ClinVar:

NM_020779.4(WDR35):c.1051C>G (p.Pro351Ala)

Gene: WDR35 (WD repeat domain 35; minus strand). Cytogenetic location: 2p24.1.
Variant type: single nucleotide variant.
Coding change: c.1051C>G on transcript NM_020779.4 (MANE Select); coding-DNA position 1051, C replaced by G.
Protein change: p.Pro351Ala; replaces proline 351 with alanine.
Molecular consequence: missense variant.
Genome position (GRCh38, 1-based): chr2:19,966,867, G>C on the plus strand (C>G on the coding strand, the complement: WDR35 is on the minus strand). VCF-style: chr2-19966867-G-C. GRCh37 (hg19) VCF-style: chr2-20166628-G-C.
Other names: c.1051C>G, p.Pro351Ala (NM_001006657.2); short protein forms P351A.
Identifiers: ClinVar variation 497211 (VCV000497211.20), dbSNP rs140753861, ClinGen allele CA1543357.

ClinVar aggregate classification (germline): Conflicting classifications of pathogenicity. Review status: criteria provided, conflicting classifications (1 of 4 stars). 6 submissions from 5 submitters: Uncertain significance (4); Likely benign (1). 1 of the submissions does not count toward it. Last evaluated 2026-01-15.

Conditions:
Cranioectodermal dysplasia 2 (CED2). Identifiers: Orphanet 1515, MedGen C3150874, MONDO:0013323, OMIM 613610.
WDR35-related disorder. Also called: WDR35-related condition; WDR35-related disorders. Identifiers: MedGen CN239419.
Short-rib thoracic dysplasia 7 with or without polydactyly (SRTD7). Also called: Short rib polydactyly syndrome 5; SHORT-RIB THORACIC DYSPLASIA 7 WITH POLYDACTYLY. Identifiers: Orphanet 498497, Orphanet 93271, MedGen C3279792, MONDO:0013569, OMIM 614091.

Allele frequency attached by ClinVar (database versions not stated): gnomAD 0.00045; TOPMed 0.00050; ESP Exome Variant Server 0.00069.
gnomAD v4.1: 141 of 1,613,866 alleles (0.0087%); highest among the groups gnomAD compares: African/African-American, 0.17%; 1 homozygote.

Submissions (6):

Labcorp Genetics (formerly Invitae), Labcorp
Classification: Likely benign for Cranioectodermal dysplasia 2; Short-rib thoracic dysplasia 7 with or without polydactyly. Last evaluated: 2026-01-15. Review status: criteria provided, single submitter. Criteria: Invitae Variant Classification Sherloc (09022015). Collection method: clinical testing. Allele origin: germline.

GeneDx
Classification: Uncertain significance. Last evaluated: 2023-08-08. Review status: criteria provided, single submitter. Criteria: GeneDx Variant Classification Process June 2021. Collection method: clinical testing. Allele origin: germline. Affected: yes.
Comment: In silico analysis supports that this missense variant has a deleterious effect on protein structure/function; Has not been previously published as pathogenic or benign to our knowledge

Illumina Laboratory Services, Illumina
Classification: Uncertain significance for Cranioectodermal dysplasia 2. Last evaluated: 2018-01-13. Review status: criteria provided, single submitter. Criteria: ICSL Variant Classification Criteria 13 December 2019. Collection method: clinical testing. Allele origin: germline.

Illumina Laboratory Services, Illumina
Classification: Uncertain significance for Short-rib thoracic dysplasia 7 with or without polydactyly. Last evaluated: 2018-01-13. Review status: criteria provided, single submitter. Criteria: ICSL Variant Classification Criteria 13 December 2019. Collection method: clinical testing. Allele origin: germline.

Eurofins Ntd Llc (ga)
Classification: Uncertain significance. Last evaluated: 2016-10-03. Review status: criteria provided, single submitter. Criteria: EGL Classification Definitions 2015. Collection method: clinical testing. Allele origin: germline. Observed: 1 variant allele, 1 heterozygote.

PreventionGenetics, part of Exact Sciences
Classification: Likely benign for WDR35-related condition. Last evaluated: 2022-09-07. Review status: no assertion criteria provided. Collection method: clinical testing. Allele origin: germline. Not counted in ClinVar's aggregate classification.
Comment: This variant is classified as likely benign based on ACMG/AMP sequence variant interpretation guidelines (Richards et al. 2015 PMID: 25741868, with internal and published modifications).